The following is an entry in ClinVar:

ClinVar aggregate classification (germline): Likely benign. Review status: criteria provided, multiple submitters, no conflicts (2 of 4 stars). 3 submissions from 3 submitters: Likely benign (3). Last evaluated 2025-05-06.

Conditions:
PRDM13-related disorder. Also called: PRDM13-related condition.

Allele frequency attached by ClinVar (database versions not stated): gnomAD 0.00005; gnomAD exomes 0.00005; ExAC 0.00007; ESP Exome Variant Server 0.00009; TOPMed 0.00010.
gnomAD v4.1: 81 of 1,610,768 alleles (0.005%); highest among the groups gnomAD compares: Middle Eastern, 0.016%; no homozygotes.

Submissions (3):

PreventionGenetics, part of Exact Sciences
Classification: Likely benign for PRDM13-related condition. Last evaluated: 2025-05-06. Review status: criteria provided, single submitter. Criteria: ACMG Guidelines, 2015. Collection method: clinical testing. Allele origin: germline.
Comment: This variant is classified as likely benign based on ACMG/AMP sequence variant interpretation guidelines (Richards et al. 2015 PMID: 25741868, with internal and published modifications).

Labcorp Genetics (formerly Invitae), Labcorp
Classification: Likely benign. Last evaluated: 2025-03-31. Review status: criteria provided, single submitter. Criteria: Invitae Variant Classification Sherloc (09022015). Collection method: clinical testing. Allele origin: germline.

Blueprint Genetics
Classification: Likely benign. Last evaluated: 2024-10-09. Review status: criteria provided, single submitter. Criteria: ACMG Guidelines, 2015. Collection method: clinical testing. Allele origin: germline.

NM_021620.4(PRDM13):c.2046C>T (p.Asp682=)

Gene: PRDM13 (PR/SET domain 13; plus strand). Cytogenetic location: 6q16.2.
Variant type: single nucleotide variant.
Coding change: c.2046C>T on transcript NM_021620.4 (MANE Select); coding-DNA position 2046, C replaced by T.
Protein change: p.Asp682=; no amino-acid change (aspartic acid 682 retained).
Molecular consequence: synonymous variant.
Genome position (GRCh38, 1-based): chr6:99,614,681, C>T. VCF-style: chr6-99614681-C-T. GRCh37 (hg19) VCF-style: chr6-100062557-C-T.
Other names: c.2046C>T (NM_021620.3).
Identifiers: ClinVar variation 1113808 (VCV001113808.11), dbSNP rs368806941, ClinGen allele CA3936494.